The following is an entry in ClinVar:

NM_001384317.1(ZHX3):c.2018A>G (p.Lys673Arg)

Gene: ZHX3 (zinc fingers and homeoboxes 3; minus strand). Cytogenetic location: 20q12.
Variant type: single nucleotide variant.
Coding change: c.2018A>G on transcript NM_001384317.1 (MANE Select); coding-DNA position 2018, A replaced by G.
Protein change: p.Lys673Arg; replaces lysine 673 with arginine.
Molecular consequence: missense variant.
Genome position (GRCh38, 1-based): chr20:41,202,899, T>C on the plus strand (A>G on the coding strand, the complement: ZHX3 is on the minus strand). VCF-style: chr20-41202899-T-C. GRCh37 (hg19) VCF-style: chr20-39831539-T-C.
Other names: c.2018A>G, p.Lys673Arg (NM_001384315.1, NM_001384316.1, NM_001384318.1 and 8 more transcripts); short protein forms K673R.
Identifiers: ClinVar variation 2960095 (VCV002960095.3), dbSNP rs375844415, ClinGen allele CA9859849.
Genomic context (GRCh38, chr20:41,202,899, plus strand): 5'-TCTCCACCCTCATCCTCAGCAGCCTCCTCTTCCTCCTGAGAGGCATTCTCCTCAGCCTTC[T>C]TGGTCTCCTCAGCATTCACTTTTTTCCGTCTCTCTGAAAACCAGCTATCAATTTCTCGTC-3'
Protein context (NP_001371246.1, residues 663-683): RRKKVNAEET[Lys673Arg]KAEENASQEE

ClinVar aggregate classification (germline): Uncertain significance (1 of 4 stars; one submission).

Allele frequency attached by ClinVar (database versions not stated): gnomAD 0.00001; gnomAD exomes 0.00001; ExAC 0.00002; TOPMed 0.00003; ESP Exome Variant Server 0.00008.
gnomAD v4.1: 22 of 1,614,078 alleles (0.0014%); highest among the groups gnomAD compares: Non-Finnish European, 0.0017%; no homozygotes.

Submission:

Labcorp Genetics (formerly Invitae), Labcorp
Classification: Uncertain significance. Last evaluated: 2025-01-06. Review status: criteria provided, single submitter. Criteria: Invitae Variant Classification Sherloc (09022015). Collection method: clinical testing. Allele origin: germline.
Comment: This sequence change replaces lysine, which is basic and polar, with arginine, which is basic and polar, at codon 673 of the ZHX3 protein (p.Lys673Arg). This variant is present in population databases (rs375844415, gnomAD 0.002%). This variant has not been reported in the literature in individuals affected with ZHX3-related conditions. ClinVar contains an entry for this variant (Variation ID: 2960095). An algorithm developed to predict the effect of missense changes on protein structure and function outputs the following: PolyPhen-2: "Benign". The arginine amino acid residue is found in multiple mammalian species, which suggests that this missense change does not adversely affect protein function. In summary, the available evidence is currently insufficient to determine the role of this variant in disease. Therefore, it has been classified as a Variant of Uncertain Significance.